The following is an entry in ClinVar:

NM_004614.5(TK2):c.349A>T (p.Met117Leu)

Gene: TK2 (thymidine kinase 2; minus strand). Cytogenetic location: 16q21.
Variant type: single nucleotide variant.
Coding change: c.349A>T on transcript NM_004614.5 (MANE Select); coding-DNA position 349, A replaced by T.
Protein change: p.Met117Leu; replaces methionine 117 with leucine.
Molecular consequence: missense variant. On other transcripts: non-coding transcript variant (1).
Genome position (GRCh38, 1-based): chr16:66,531,406, T>A on the plus strand (A>T on the coding strand, the complement: TK2 is on the minus strand). VCF-style: chr16-66531406-T-A. GRCh37 (hg19) VCF-style: chr16-66565309-T-A.
Other names: c.256A>T, p.Met86Leu (NM_001172643.1, NM_001271935.1); c.274A>T, p.Met92Leu (NM_001172644.2); c.295A>T, p.Met99Leu (NM_001172645.2); c.202A>T, p.Met68Leu (NM_001271934.2); c.58A>T, p.Met20Leu (NM_001272050.2); short protein forms M86L, M99L, M68L, M92L, M117L, M20L.
Identifiers: ClinVar variation 1465257 (VCV001465257.3), dbSNP rs1567533723, ClinGen allele CA396190573.
Genomic context (GRCh38, chr16:66,531,406, plus strand): 5'-TTAAGAAGGCTGAAACTGAGCATCTGAAACCTACCTGAGGACGAGTATGCCTGTCCAGCA[T>A]GGTGAGCTGCACATAAGTCTGTAGCGTAAGACCCCAGCGAGAGGCATCGTGGTACATCAG-3'
Protein context (NP_004605.4, residues 107-127): LTLQTYVQLT[Met117Leu]LDRHTRPQVS

ClinVar aggregate classification (germline): Likely pathogenic (1 of 4 stars; one submission).

Allele frequency attached by ClinVar (database versions not stated): gnomAD exomes below 0.00001; gnomAD 0.00001.

Submission:

Labcorp Genetics (formerly Invitae), Labcorp
Classification: Likely pathogenic. Last evaluated: 2021-09-24. Review status: criteria provided, single submitter. Criteria: Invitae Variant Classification Sherloc (09022015). Collection method: clinical testing. Allele origin: germline.
Comment: This sequence change replaces methionine with leucine at codon 117 of the TK2 protein (p.Met117Leu). The methionine residue is highly conserved and there is a small physicochemical difference between methionine and leucine. This variant is not present in population databases (ExAC no frequency). This variant has not been reported in the literature in individuals affected with TK2-related conditions. Advanced modeling of protein sequence and biophysical properties (such as structural, functional, and spatial information, amino acid conservation, physicochemical variation, residue mobility, and thermodynamic stability) performed at Invitae indicates that this missense variant is expected to disrupt TK2 protein function. This variant disrupts the p.Met117 amino acid residue in TK2. Other variant(s) that disrupt this residue have been determined to be pathogenic (PMID: 25446393). This suggests that this residue is clinically significant, and that variants that disrupt this residue are likely to be disease-causing. In summary, the currently available evidence indicates that the variant is pathogenic, but additional data are needed to prove that conclusively. Therefore, this variant has been classified as Likely Pathogenic.

Literature cited by the submitters: PubMed 25446393.